The following is an entry in ClinVar:

ClinVar aggregate classification (germline): Pathogenic (1 of 4 stars; one submission).

Conditions:
Breast-ovarian cancer, familial, susceptibility to, 2 (BROVCA2). Also called: BRCA2 Hereditary Breast and Ovarian Cancer. Identifiers: Orphanet 145, MedGen C2675520, MONDO:0012933, OMIM 612555. Disease mechanism: loss of function.

Submission:

Myriad Genetics, Inc.
Classification: Pathogenic for Breast-ovarian cancer, familial, susceptibility to, 2. Last evaluated: 2024-04-23. Review status: criteria provided, single submitter. Criteria: Myriad Autosomal Dominant, Autosomal Recessive and X-Linked Classification Criteria (2023). Collection method: clinical testing. Allele origin: unknown.
Comment: This variant is considered pathogenic. This variant creates a frameshift predicted to result in premature protein truncation.

NM_000059.4(BRCA2):c.8681_8690del (p.Gln2894fs)

Gene: BRCA2 (BRCA2 DNA repair associated; plus strand). Cytogenetic location: 13q13.1.
Variant type: Deletion.
Coding change: c.8681_8690del on transcript NM_000059.4 (MANE Select); coding-DNA positions 8681 to 8690, 10 bases deleted (AAGTTCGTGC; older notation c.8681_8690delAAGTTCGTGC).
Protein change: p.Gln2894fs; shifts the reading frame from glutamine 2894.
Molecular consequence: frameshift variant. On other transcripts: non-coding transcript variant (1).
Genome position (GRCh38, 1-based): chr13:32,376,718-32,376,727, AAGTTCGTGC deleted; deleting any 10 consecutive bases within chr13:32,376,716-32,376,727 gives the same sequence; the c. name uses the placement nearest the transcript's 3' end. VCF-style (leftmost placement, unchanged base first): chr13-32376715-AGCAAGTTCGT-A. GRCh37 (hg19) VCF-style: chr13-32950852-AGCAAGTTCGT-A.
Other names: c.8585_8594del, p.Gln2862fs (NM_001406719.1); c.8681_8690del, p.Gln2894fs (NM_001406720.1); c.3749_3758del, p.Gln1250fs (NM_001406721.1); c.2264_2273del, p.Gln755fs (NM_001406722.1); short protein forms Q1250fs, Q2862fs, Q2894fs, Q755fs.
Identifiers: ClinVar variation 3254374 (VCV003254374.1), dbSNP rs2548553272.
Genomic context (GRCh38, chr13:32,376,715, plus strand): 5'-CTTTTGTTTTCTTAGAAAACACAACAAAACCATATTTACCATCACGTGCACTAACAAGAC[AGCAAGTTCGT>A]GCTTTGCAAGATGGTGCAGAGCTTTATGAAGCAGTGAAGAATGCAGCAGACCCAGCTTAC-3'